The following is an entry in ClinVar:

ClinVar aggregate classification (germline): Conflicting classifications of pathogenicity. Review status: criteria provided, conflicting classifications (1 of 4 stars). 5 submissions from 5 submitters: Uncertain significance (3); Likely benign (2). Last evaluated 2025-07-09.

Conditions:
Cardiovascular phenotype. Identifiers: MedGen CN230736.
Duchenne muscular dystrophy (DMD). Also called: Duchenne Muscular Dystrophy (DMD); MUSCULAR DYSTROPHY, PSEUDOHYPERTROPHIC PROGRESSIVE, DUCHENNE TYPE. Identifiers: Orphanet 98896, MedGen C0013264, MONDO:0010679, OMIM 310200.

Allele frequency attached by ClinVar (database versions not stated): gnomAD exomes 0.00002 and 0.00008; ExAC 0.00004; TOPMed 0.00004; gnomAD 0.00006.
gnomAD v4.1: 90 of 1,199,454 alleles (0.0075%); highest among the groups gnomAD compares: Non-Finnish European, 0.0097%; no homozygotes.

Submissions (5):

Labcorp Genetics (formerly Invitae), Labcorp
Classification: Likely benign for Duchenne muscular dystrophy. Last evaluated: 2025-07-09. Review status: criteria provided, single submitter. Criteria: Invitae Variant Classification Sherloc (09022015). Collection method: clinical testing. Allele origin: germline.

Molecular Diagnostic Laboratory for Inherited Cardiovascular Disease, Montreal Heart Institute
Classification: Uncertain significance for Cardiovascular phenotype. Last evaluated: 2025-04-09. Review status: criteria provided, single submitter. Criteria: ACMG Guidelines, 2015. Collection method: clinical testing. Allele origin: germline. Affected: yes.

Ambry Genetics
Classification: Uncertain significance for Cardiovascular phenotype. Last evaluated: 2025-02-21. Review status: criteria provided, single submitter. Criteria: Ambry Variant Classification Scheme 2023. Collection method: clinical testing. Allele origin: germline.
Comment: The p.D2740G variant (also known as c.8219A>G), located in coding exon 56 of the DMD gene, results from an A to G substitution at nucleotide position 8219. The aspartic acid at codon 2740 is replaced by glycine, an amino acid with similar properties. Based on data from gnomAD, the G allele has an overall frequency of 0.0024% (4/163810) total alleles studied, with 0 hemizygote(s) observed. The highest observed frequency was 0.0057% (4/70199) of European (non-Finnish) alleles. This amino acid position is well conserved in available vertebrate species. In addition, the in silico prediction for this alteration is inconclusive. Based on the available evidence, the clinical significance of this variant remains unclear.

Women's Health and Genetics/Laboratory Corporation of America, LabCorp
Classification: Uncertain significance. Last evaluated: 2023-02-03. Review status: criteria provided, single submitter. Criteria: LabCorp Variant Classification Summary - May 2015. Collection method: clinical testing. Allele origin: germline.
Comment: Variant summary: DMD c.8219A>G (p.Asp2740Gly) results in a non-conservative amino acid change located in the Central rod domain: Repeat 22 of the encoded protein sequence. Three of five in-silico tools predict a damaging effect of the variant on protein function, and 4/4 computational tools predict no significant impact on normal splicing. However, these predictions have yet to be confirmed by functional studies. The variant allele was found at a frequency of 2.4e-05 in 163810 control chromosomes (gnomAD). The available data on variant occurrences in the general population are insufficient to allow any conclusion about variant significance. c.8219A>G has been reported in the literature in at least one individuals affected with Dystrophinopathies (example: Dent_2005, Flanigan_2009, Flanigan_2013), however these reports do not provide unequivocal conclusions about association of the variant with Dystrophinopathies. To our knowledge, no experimental evidence demonstrating an impact on protein function has been reported. Two ClinVar submitters have assessed this variant since 2014: the variant was classified as likely benign and VUS. Based on the evidence outlined above, the variant was classified as uncertain significance.

GeneDx
Classification: Likely benign. Last evaluated: 2017-05-08. Review status: criteria provided, single submitter. Criteria: GeneDx Variant Classification (06012015). Collection method: clinical testing. Allele origin: germline. Affected: yes.
Comment: This variant is considered likely benign or benign based on one or more of the following criteria: it is a conservative change, it occurs at a poorly conserved position in the protein, it is predicted to be benign by multiple in silico algorithms, and/or has population frequency not consistent with disease.

Literature cited by the submitters: PubMed 15723292 (cited by Ambry Genetics and Women's Health and Genetics/Laboratory Corporation of America, LabCorp); PubMed 19937601 (cited by Ambry Genetics); PubMed 23440719 (cited by Ambry Genetics); PubMed 29261181 (cited by Ambry Genetics).

NM_004006.3(DMD):c.8219A>G (p.Asp2740Gly)

Gene: DMD (dystrophin; minus strand). Cytogenetic location: Xp21.1.
Variant type: single nucleotide variant.
Coding change: c.8219A>G on transcript NM_004006.3 (MANE Select); coding-DNA position 8219, A replaced by G.
Protein change: p.Asp2740Gly; replaces aspartic acid 2740 with glycine.
Molecular consequence: missense variant.
Genome position (GRCh38, 1-based): chrX:31,507,452, T>C on the plus strand (A>G on the coding strand, the complement: DMD is on the minus strand). VCF-style: chrX-31507452-T-C. GRCh37 (hg19) VCF-style: chrX-31525569-T-C.
Other names: c.8195A>G, p.Asp2732Gly (NM_000109.4); c.8207A>G, p.Asp2736Gly (NM_004009.3); c.7850A>G, p.Asp2617Gly (NM_004010.3); c.4196A>G, p.Asp1399Gly (NM_004011.4); c.4187A>G, p.Asp1396Gly (NM_004012.4); c.839A>G, p.Asp280Gly (NM_004013.3, NM_004020.4, NM_004021.3 and 2 more transcripts); c.32A>G, p.Asp11Gly (NM_004014.3); short protein forms D2740G, D11G, D2617G, D2732G, D2736G, D1396G, D1399G, D280G.
Identifiers: ClinVar variation 516849 (VCV000516849.17), dbSNP rs771051897, ClinGen allele CA10378106.